The following is an entry in ClinVar:

ClinVar aggregate classification (germline): Uncertain significance. Review status: criteria provided, multiple submitters, no conflicts (2 of 4 stars). 4 submissions from 4 submitters: Uncertain significance (4). Last evaluated 2025-12-16.

Conditions:
Cardiovascular phenotype. Identifiers: MedGen CN230736.
Dilated cardiomyopathy 1II (CMD1II). Identifiers: Orphanet 154, MedGen C3554649, MONDO:0014073, OMIM 615184.

Allele frequency attached by ClinVar (database versions not stated): gnomAD exomes 0.00001 and 0.00002; ExAC 0.00002; TOPMed 0.00002.

Submissions (4):

Ambry Genetics
Classification: Uncertain significance for Cardiovascular phenotype. Last evaluated: 2025-12-16. Review status: criteria provided, single submitter. Criteria: Ambry Variant Classification Scheme 2023. Collection method: clinical testing. Allele origin: germline.
Comment: The p.R163H variant (also known as c.488G>A), located in coding exon 3 of the CRYAB gene, results from a G to A substitution at nucleotide position 488. The arginine at codon 163 is replaced by histidine, an amino acid with highly similar properties. This amino acid position is conserved. In addition, this alteration is predicted to be deleterious by in silico analysis. Since supporting evidence is limited at this time, the clinical significance of this alteration remains unclear.

Labcorp Genetics (formerly Invitae), Labcorp
Classification: Uncertain significance for Dilated cardiomyopathy 1II. Last evaluated: 2025-06-12. Review status: criteria provided, single submitter. Criteria: Invitae Variant Classification Sherloc (09022015). Collection method: clinical testing. Allele origin: germline.
Comment: This sequence change replaces arginine, which is basic and polar, with histidine, which is basic and polar, at codon 163 of the CRYAB protein (p.Arg163His). This variant is present in population databases (rs782207078, gnomAD 0.006%). This variant has not been reported in the literature in individuals affected with CRYAB-related conditions. ClinVar contains an entry for this variant (Variation ID: 956828). An algorithm developed to predict the effect of missense changes on protein structure and function (PolyPhen-2) suggests that this variant is likely to be disruptive. In summary, the available evidence is currently insufficient to determine the role of this variant in disease. Therefore, it has been classified as a Variant of Uncertain Significance.

Institute of Human Genetics, University of Goettingen
Classification: Uncertain significance for Dilated cardiomyopathy 1II. Last evaluated: 2022-09-15. Review status: criteria provided, single submitter. Criteria: ACMG Guidelines, 2015. Collection method: clinical testing. Allele origin: germline. Inheritance: Autosomal dominant inheritance. Affected: yes. Observed: 1 heterozygote.
Comment: The variant c.488G>A (p.(Arg163His)) in the CRYAB gene is absent from the gnomAD database and listed twice as a VUS in ClinVar (Variation ID: 956828); it affects a highly conserved amino acid within a functional protein domain, and a different VUS at the same residue (HGMD: CM1616842) has been reported in affected individuals; the molecular finding is partially consistent with the patient’s clinical phenotype. ACMG criteria used for classification: PM1, PM2.

GeneDx
Classification: Uncertain significance. Last evaluated: 2020-04-23. Review status: criteria provided, single submitter. Criteria: GeneDx Variant Classification Process June 2021. Collection method: clinical testing. Allele origin: germline. Affected: yes.
Comment: Has not been previously published as pathogenic or benign to our knowledge; Not observed at a significant frequency in large population cohorts (Lek et al., 2016); In silico analysis supports that this missense variant does not alter protein structure/function

NM_001289808.2(CRYAB):c.488G>A (p.Arg163His)

Gene: CRYAB (crystallin alpha B; minus strand). Cytogenetic location: 11q23.1.
Variant type: single nucleotide variant.
Coding change: c.488G>A on transcript NM_001289808.2 (MANE Select); coding-DNA position 488, G replaced by A.
Protein change: p.Arg163His; replaces arginine 163 with histidine.
Molecular consequence: missense variant.
Genome position (GRCh38, 1-based): chr11:111,908,804, C>T on the plus strand (G>A on the coding strand, the complement: CRYAB is on the minus strand). VCF-style: chr11-111908804-C-T. GRCh37 (hg19) VCF-style: chr11-111779528-C-T.
Other names: c.488G>A, p.Arg163His (NM_001289807.1, NM_001368245.1, NM_001885.3); c.287G>A, p.Arg96His (NM_001330379.1, NM_001368246.1); short protein forms R163H, R96H.
Identifiers: ClinVar variation 956828 (VCV000956828.14), dbSNP rs782207078, ClinGen allele CA6275453.